The following is an entry in ClinVar:

NM_001127511.3(APC):c.-153C>G

Gene: APC (APC regulator of Wnt signaling pathway; plus strand). Cytogenetic location: 5q22.2.
Variant type: single nucleotide variant.
Coding change: c.-153C>G on transcript NM_001127511.3; 153 bases upstream of the start codon, C replaced by G.
Molecular consequence: 5 prime UTR variant. On other transcripts: non-coding transcript variant (2).
Genome position (GRCh38, 1-based): chr5:112,707,565, C>G. VCF-style: chr5-112707565-C-G. GRCh37 (hg19) VCF-style: chr5-112043262-C-G.
Other names: c.-336C>G (NM_001354895.2, NM_001407447.1, NM_001407452.1 and 3 more transcripts); c.-153C>G (NM_001354897.2, NM_001354902.2, NM_001407446.1); c.-103C>G (NM_001407448.1, NM_001407450.1, NM_001407457.1 and 1 more transcripts); c.-127C>G (NM_001407453.1); c.-1371C>G (NM_001407470.1, NM_001407472.1).
Identifiers: ClinVar variation 4734472 (VCV004734472.1).

ClinVar aggregate classification (germline): Uncertain significance (1 of 4 stars; one submission).

Conditions:
Familial adenomatous polyposis 1 (FAP1). Also called: POLYPOSIS, ADENOMATOUS INTESTINAL; FAMILIAL ADENOMATOUS POLYPOSIS 1, ATTENUATED. Identifiers: MedGen C2713442, MONDO:0021056, OMIM 175100. Disease mechanism: loss of function.

Submission:

Labcorp Genetics (formerly Invitae), Labcorp
Classification: Uncertain significance for Familial adenomatous polyposis 1. Last evaluated: 2025-12-30. Review status: criteria provided, single submitter. Criteria: Invitae Variant Classification Sherloc (09022015). Collection method: clinical testing. Allele origin: germline.
Comment: This variant occurs in a non-coding region of the APC gene. It does not change the encoded amino acid sequence of the APC protein. This variant is not present in population databases (gnomAD no frequency). This variant has not been reported in the literature in individuals affected with APC-related conditions. Experimental studies and prediction algorithms are not available or were not evaluated, and the functional significance of this variant is currently unknown. In summary, the available evidence is currently insufficient to determine the role of this variant in disease. Therefore, it has been classified as a Variant of Uncertain Significance.